The following is an entry in ClinVar:

NM_000179.3(MSH6):c.947G>C (p.Arg316Thr)

Gene: MSH6 (mutS homolog 6; plus strand). Cytogenetic location: 2p16.3.
Variant type: single nucleotide variant.
Coding change: c.947G>C on transcript NM_000179.3 (MANE Select); coding-DNA position 947, G replaced by C.
Protein change: p.Arg316Thr; replaces arginine 316 with threonine.
Molecular consequence: missense variant.
Genome position (GRCh38, 1-based): chr2:47,798,930, G>C. VCF-style: chr2-47798930-G-C. GRCh37 (hg19) VCF-style: chr2-48026069-G-C.
Other names: c.557G>C, p.Arg186Thr (NM_001281492.2); c.41G>C, p.Arg14Thr (NM_001281493.2, NM_001281494.2, NM_001406811.1 and 6 more transcripts); c.1043G>C, p.Arg348Thr (NM_001406795.1, NM_001406802.1); c.947G>C, p.Arg316Thr (NM_001406796.1, NM_001406798.1, NM_001406800.1 and 4 more transcripts); c.650G>C, p.Arg217Thr (NM_001406797.1, NM_001406801.1, NM_001406805.1 and 10 more transcripts); c.422G>C, p.Arg141Thr (NM_001406799.1, NM_001406806.1, NM_001406807.1); c.869G>C, p.Arg290Thr (NM_001406804.1); c.953G>C, p.Arg318Thr (NM_001406813.1); and 1 more; short protein forms R141T, R14T, R186T, R217T, R260T, R290T, R316T, R318T.
Identifiers: ClinVar variation 1809567 (VCV001809567.4), dbSNP rs562487553, ClinGen allele CA346740803.

ClinVar aggregate classification (germline): Uncertain significance. Review status: criteria provided, multiple submitters, no conflicts (2 of 4 stars). 3 submissions from 3 submitters: Uncertain significance (3). Last evaluated 2024-11-21.

Conditions:
Lynch syndrome 5 (LYNCH5). Also called: Colorectal cancer, hereditary nonpolyposis, type 5; Hereditary non-polyposis colorectal cancer, type 5. Identifiers: Orphanet 144, MedGen C1833477, MONDO:0013710, OMIM 614350. Disease mechanism: loss of function.
Endometrial carcinoma. Also called: Endometrial carcinoma, somatic. Identifiers: MedGen C0476089, MONDO:0002447, OMIM 608089, HP:0012114.
Mismatch repair cancer syndrome 3. Identifiers: MedGen C5436807, MONDO:0030841, OMIM 619097.
Hereditary nonpolyposis colorectal neoplasms. Identifiers: MedGen C0009405, MeSH D003123.

Submissions (3):

Labcorp Genetics (formerly Invitae), Labcorp
Classification: Uncertain significance for Hereditary nonpolyposis colorectal neoplasms. Last evaluated: 2024-11-21. Review status: criteria provided, single submitter. Criteria: Invitae Variant Classification Sherloc (09022015). Collection method: clinical testing. Allele origin: germline.
Comment: This sequence change replaces arginine, which is basic and polar, with threonine, which is neutral and polar, at codon 316 of the MSH6 protein (p.Arg316Thr). This variant is not present in population databases (gnomAD no frequency). This variant has not been reported in the literature in individuals affected with MSH6-related conditions. ClinVar contains an entry for this variant (Variation ID: 1809567). Invitae Evidence Modeling of protein sequence and biophysical properties (such as structural, functional, and spatial information, amino acid conservation, physicochemical variation, residue mobility, and thermodynamic stability) indicates that this missense variant is not expected to disrupt MSH6 protein function with a negative predictive value of 95%. In summary, the available evidence is currently insufficient to determine the role of this variant in disease. Therefore, it has been classified as a Variant of Uncertain Significance.

Department of Pathology and Laboratory Medicine, Sinai Health System
Classification: Uncertain significance for Endometrial carcinoma; Lynch syndrome 5; Mismatch repair cancer syndrome 3. Last evaluated: 2024-08-20. Review status: criteria provided, single submitter. Criteria: ACMG Guidelines, 2015. Collection method: clinical testing. Allele origin: germline.

Quest Diagnostics Nichols Institute San Juan Capistrano
Classification: Uncertain significance. Last evaluated: 2021-08-06. Review status: criteria provided, single submitter. Criteria: Quest Diagnostics criteria. Collection method: clinical testing. Allele origin: unknown.